The following is an entry in ClinVar:

ClinVar aggregate classification (germline): Pathogenic. Review status: criteria provided, multiple submitters, no conflicts (2 of 4 stars). 2 submissions from 2 submitters: Pathogenic (2). Last evaluated 2024-05-14.

Conditions:
Hereditary nonpolyposis colorectal neoplasms. Identifiers: MedGen C0009405, MeSH D003123.
Lynch syndrome. Identifiers: Orphanet 144, MedGen C4552100, MONDO:0005835. Disease mechanism: loss of function.

Submissions (2):

All of Us Research Program, National Institutes of Health
Classification: Pathogenic for Lynch syndrome. Last evaluated: 2024-05-14. Review status: criteria provided, single submitter. Criteria: ACMG Guidelines, 2015. Collection method: clinical testing. Allele origin: germline. Inheritance: Autosomal dominant inheritance. Observed: 1 variant allele, 1 heterozygote.
Comment: This variant changes 1 nucleotide in exon 9 of the MSH6 gene, creating a premature translation stop signal. This variant is expected to result in an absent or non-functional protein product. To our knowledge, this variant has not been reported in individuals affected with MSH6-related disorders in the literature. This variant has not been identified in the general population by the Genome Aggregation Database (gnomAD). Loss of MSH6 function is a known mechanism of disease. Based on the available evidence, this variant is classified as Pathogenic.

This study involves interpretation of variants in research participants for the purpose of population health screening. Participant phenotype was not available at the time of variant classification. Additional details can be found in publication PMID: 35346344, PMCID: PMC8962531

Labcorp Genetics (formerly Invitae), Labcorp
Classification: Pathogenic for Hereditary nonpolyposis colorectal neoplasms. Last evaluated: 2020-04-23. Review status: criteria provided, single submitter. Criteria: Invitae Variant Classification Sherloc (09022015). Collection method: clinical testing. Allele origin: germline.
Comment: For these reasons, this variant has been classified as Pathogenic. Loss-of-function variants in MSH6 are known to be pathogenic (PMID: 18269114, 24362816). This variant has not been reported in the literature in individuals with MSH6-related conditions. This variant is not present in population databases (ExAC no frequency). This sequence change creates a premature translational stop signal (p.Cys1269*) in the MSH6 gene. It is expected to result in an absent or disrupted protein product.

Literature cited by the submitters: PubMed 18269114 (cited by Labcorp Genetics (formerly Invitae), Labcorp); PubMed 24362816 (cited by Labcorp Genetics (formerly Invitae), Labcorp).

NM_000179.3(MSH6):c.3807C>A (p.Cys1269Ter)

Gene: MSH6 (mutS homolog 6; plus strand). Cytogenetic location: 2p16.3.
Variant type: single nucleotide variant.
Coding change: c.3807C>A on transcript NM_000179.3 (MANE Select); coding-DNA position 3807, C replaced by A.
Protein change: p.Cys1269Ter; replaces cysteine 1269 with a stop codon.
Molecular consequence: nonsense.
Genome position (GRCh38, 1-based): chr2:47,806,457, C>A. VCF-style: chr2-47806457-C-A. GRCh37 (hg19) VCF-style: chr2-48033596-C-A.
Other names: c.3417C>A, p.Cys1139Ter (NM_001281492.2); c.2901C>A, p.Cys967Ter (NM_001281493.2, NM_001281494.2); short protein forms C1139*, C1269*, C967*.
Identifiers: ClinVar variation 1073690 (VCV001073690.8), dbSNP rs747924946, ClinGen allele CA346761221.